The following is an entry in ClinVar:

ClinVar aggregate classification (germline): Benign. Review status: criteria provided, multiple submitters, no conflicts (2 of 4 stars). 5 submissions from 5 submitters: Benign (5). Last evaluated 2026-02-04.

Conditions:
Congenital factor V deficiency. Also called: OWREN PARAHEMOPHILIA; PARAHEMOPHILIA; Hereditary factor V deficiency disease; LABILE FACTOR DEFICIENCY. Identifiers: Orphanet 326, MedGen C0015499, MONDO:0009210, OMIM 227400.

Allele frequency attached by ClinVar (database versions not stated): ESP Exome Variant Server 0.04590; 1000 Genomes Project 0.04533; TOPMed 0.04643; 1000 Genomes Project 30x 0.04403.
gnomAD v4.1: 95,656 of 1,612,548 alleles (5.9%); highest among the groups gnomAD compares: Admixed American, 9.6%; 3,314 homozygotes.

Submissions (5):

Labcorp Genetics (formerly Invitae), Labcorp
Classification: Benign for Congenital factor V deficiency. Last evaluated: 2026-02-04. Review status: criteria provided, single submitter. Criteria: Invitae Variant Classification Sherloc (09022015). Collection method: clinical testing. Allele origin: germline.

Mayo Clinic Laboratories, Mayo Clinic
Classification: Benign. Last evaluated: 2022-10-21. Review status: criteria provided, single submitter. Criteria: ACMG Guidelines, 2015. Collection method: clinical testing. Allele origin: germline. Observed: 34 variant alleles.
Comment: BA1, BS2, BP4, BP7

GeneDx
Classification: Benign. Last evaluated: 2021-05-11. Review status: criteria provided, single submitter. Criteria: GeneDx Variant Classification Process June 2021. Collection method: clinical testing. Allele origin: germline. Affected: yes.

Breakthrough Genomics
Classification: Benign. Review status: criteria provided, single submitter. Criteria: ACMG Guidelines, 2015. Collection method: not provided. Allele origin: germline. Inheritance: Multifactorial inheritance. Affected: yes.

PreventionGenetics, part of Exact Sciences
Classification: Benign. Review status: criteria provided, single submitter. Criteria: ACMG Guidelines, 2015. Collection method: clinical testing. Allele origin: germline.

NM_000130.5(F5):c.6194-20C>A

Gene: F5 (coagulation factor V; minus strand). Cytogenetic location: 1q24.2.
Variant type: single nucleotide variant.
Coding change: c.6194-20C>A on transcript NM_000130.5 (MANE Select); 20 bases into the intron before coding-DNA position 6194, C replaced by A.
Molecular consequence: intron variant.
Genome position (GRCh38, 1-based): chr1:169,518,583, G>T on the plus strand (C>A on the coding strand, the complement: F5 is on the minus strand). VCF-style: chr1-169518583-G-T. GRCh37 (hg19) VCF-style: chr1-169487821-G-T.
Other names: p.?.
Identifiers: ClinVar variation 255213 (VCV000255213.9), dbSNP rs6013, ClinGen allele CA1233287.